The following is an entry in ClinVar:

ClinVar aggregate classification (germline): Benign. Review status: criteria provided, multiple submitters, no conflicts (2 of 4 stars). 6 submissions from 6 submitters: Benign (5). 1 of the submissions does not count toward it. Last evaluated 2026-01-01.

Allele frequency attached by ClinVar (database versions not stated): gnomAD 0.00820 and 0.00876; 1000 Genomes Project 0.00958; 1000 Genomes Project 30x 0.00968; TOPMed 0.00947.
gnomAD v4.1: 2,494 of 1,612,184 alleles (0.15%); highest among the groups gnomAD compares: African/African-American, 3%; 35 homozygotes.

Submissions (6):

Dasa
Classification: Benign. Last evaluated: 2026-01-01. Review status: criteria provided, single submitter. Criteria: DASA Assertion Criteria. Collection method: clinical testing. Allele origin: germline.
Comment: NM_004260.4(RECQL4):c.275C>T (p.Ser92Phe) is a missense variant that results in the substitution of serine with phenylalanine. Population frequency is inconsistent with a disease-causing role for this variant, observations in unaffected individuals support a benign interpretation, and the variant context is inconsistent with a known disease-causing mechanism. Computational prediction algorithms are consistent with a benign effect. Therefore, based on the currently available evidence, this variant is classified as benign.

GeneDx
Classification: Benign. Last evaluated: 2019-09-11. Review status: criteria provided, single submitter. Criteria: GeneDx Variant Classification Process June 2021. Collection method: clinical testing. Allele origin: germline. Affected: yes.

Labcorp Genetics (formerly Invitae), Labcorp
Classification: Benign. Last evaluated: 2018-12-19. Review status: criteria provided, single submitter. Criteria: Invitae Variant Classification Sherloc (09022015). Collection method: clinical testing. Allele origin: germline.

Eurofins Ntd Llc (ga)
Classification: Benign. Last evaluated: 2014-12-09. Review status: criteria provided, single submitter. Criteria: EGL Classification Definitions 2015. Collection method: clinical testing. Allele origin: germline. Observed: 2 variant alleles, 2 heterozygotes.

Breakthrough Genomics
Classification: Benign. Review status: criteria provided, single submitter. Criteria: ACMG Guidelines, 2015. Collection method: not provided. Allele origin: germline. Inheritance: Autosomal recessive inheritance. Affected: yes.

ITMI
No classification provided. Condition: AllHighlyPenetrant. Last evaluated: 2013-09-19. Review status: no classification provided. Collection method: reference population. Allele origin: germline. Not counted in ClinVar's aggregate classification.
Comment: Please see associated publication for description of ethnicities

Literature cited by the submitters: PubMed 24728327 (cited by ITMI).

NM_004260.4(RECQL4):c.275C>T (p.Ser92Phe)

Gene: RECQL4 (RecQ like helicase 4; minus strand). Cytogenetic location: 8q24.3.
Variant type: single nucleotide variant.
Coding change: c.275C>T on transcript NM_004260.4 (MANE Select); coding-DNA position 275, C replaced by T.
Protein change: p.Ser92Phe; replaces serine 92 with phenylalanine.
Molecular consequence: missense variant.
Genome position (GRCh38, 1-based): chr8:144,517,129, G>A on the plus strand (C>T on the coding strand, the complement: RECQL4 is on the minus strand). VCF-style: chr8-144517129-G-A. GRCh37 (hg19) VCF-style: chr8-145742513-G-A.
Other names: short protein forms P92L, S92F.
Identifiers: ClinVar variation 197231 (VCV000197231.15), dbSNP rs200516441, ClinGen allele CA202761.